The following is an entry in ClinVar:

ClinVar aggregate classification (germline): Uncertain significance (1 of 4 stars; one submission).

Allele frequency attached by ClinVar (database versions not stated): gnomAD exomes below 0.00001; ExAC 0.00001.
gnomAD v4.1: 2 of 1,612,622 alleles (0.00012%); highest among the groups gnomAD compares: Admixed American, 0.0033%; no homozygotes.

Submission:

Labcorp Genetics (formerly Invitae), Labcorp
Classification: Uncertain significance. Last evaluated: 2022-05-05. Review status: criteria provided, single submitter. Criteria: Invitae Variant Classification Sherloc (09022015). Collection method: clinical testing. Allele origin: germline.
Comment: In summary, the available evidence is currently insufficient to determine the role of this variant in disease. Therefore, it has been classified as a Variant of Uncertain Significance. Variants that disrupt the consensus splice site are a relatively common cause of aberrant splicing (PMID: 17576681, 9536098). Algorithms developed to predict the effect of sequence changes on RNA splicing suggest that this variant is not likely to affect RNA splicing. This variant has not been reported in the literature in individuals affected with LCA5-related conditions. This variant is present in population databases (rs751599369, gnomAD 0.009%). This sequence change falls in intron 7 of the LCA5 gene. It does not directly change the encoded amino acid sequence of the LCA5 protein. It affects a nucleotide within the consensus splice site.

Literature cited by the submitters: PubMed 17576681; PubMed 9536098.

NM_001122769.3(LCA5):c.1098+4A>C

Gene: LCA5 (lebercilin LCA5; minus strand). Cytogenetic location: 6q14.1.
Variant type: single nucleotide variant.
Coding change: c.1098+4A>C on transcript NM_001122769.3 (MANE Select); 4 bases into the intron after coding-DNA position 1098, A replaced by C.
Molecular consequence: intron variant.
Genome position (GRCh38, 1-based): chr6:79,491,584, T>G on the plus strand (A>C on the coding strand, the complement: LCA5 is on the minus strand). VCF-style: chr6-79491584-T-G. GRCh37 (hg19) VCF-style: chr6-80201301-T-G.
Other names: c.1098+4A>C (NM_181714.4).
Identifiers: ClinVar variation 1987181 (VCV001987181.4), dbSNP rs751599369, ClinGen allele CA3900942.